The following is an entry in ClinVar:

NM_024685.4(BBS10):c.1366C>G (p.Gln456Glu)

Gene: BBS10 (Bardet-Biedl syndrome 10; minus strand). Cytogenetic location: 12q21.2.
Variant type: single nucleotide variant.
Coding change: c.1366C>G on transcript NM_024685.4 (MANE Select); coding-DNA position 1366, C replaced by G.
Protein change: p.Gln456Glu; replaces glutamine 456 with glutamic acid.
Molecular consequence: missense variant.
Genome position (GRCh38, 1-based): chr12:76,346,619, G>C on the plus strand (C>G on the coding strand, the complement: BBS10 is on the minus strand). VCF-style: chr12-76346619-G-C. GRCh37 (hg19) VCF-style: chr12-76740399-G-C.
Other names: short protein forms Q456E.
Identifiers: ClinVar variation 4988529 (VCV004988529.1).

ClinVar aggregate classification (germline): Uncertain significance (1 of 4 stars; one submission).

Conditions:
BBS10-related disorder. Also called: BBS10-related condition.

Submission:

PreventionGenetics, part of Exact Sciences
Classification: Uncertain significance for BBS10-related condition. Last evaluated: 2026-09-09. Review status: criteria provided, single submitter. Criteria: ACMG Guidelines, 2015. Collection method: clinical testing. Allele origin: germline.
Comment: The BBS10 c.1366C>G variant is predicted to result in the amino acid substitution p.Gln456Glu. To our knowledge, this variant has not been reported in the literature or in a large population database (gnomAD), indicating this variant is rare. At this time, the clinical significance of this variant is uncertain due to the absence of conclusive functional and genetic evidence.